The following is an entry in ClinVar:

NM_021098.3(CACNA1H):c.4835C>A (p.Ser1612Ter)

Gene: CACNA1H (calcium voltage-gated channel subunit alpha1 H; plus strand). Cytogenetic location: 16p13.3.
Variant type: single nucleotide variant.
Coding change: c.4835C>A on transcript NM_021098.3 (MANE Select); coding-DNA position 4835, C replaced by A.
Protein change: p.Ser1612Ter; replaces serine 1612 with a stop codon.
Molecular consequence: nonsense.
Genome position (GRCh38, 1-based): chr16:1,213,837, C>A. VCF-style: chr16-1213837-C-A. GRCh37 (hg19) VCF-style: chr16-1263837-C-A.
Other names: c.4817C>A, p.Ser1606Ter (NM_001005407.2); short protein forms S1612*, S1606*.
Identifiers: ClinVar variation 2953349 (VCV002953349.3), dbSNP rs370292995, ClinGen allele CA7801638.

ClinVar aggregate classification (germline): Uncertain significance (1 of 4 stars; one submission).

Conditions:
Idiopathic generalized epilepsy. Also called: EIG; Generalised epilepsy. Identifiers: MedGen C0270850, MONDO:0005579, OMIM 600669.
Hyperaldosteronism, familial, type IV (HALD4). Also called: FH IV; ALDOSTERONISM, PRIMARY, AND HYPERTENSION. Identifiers: Orphanet 642671, MedGen C4310756, MONDO:0014875, OMIM 617027.

Submission:

Labcorp Genetics (formerly Invitae), Labcorp
Classification: Uncertain significance for Idiopathic generalized epilepsy; Hyperaldosteronism, familial, type IV. Last evaluated: 2023-11-11. Review status: criteria provided, single submitter. Criteria: Invitae Variant Classification Sherloc (09022015). Collection method: clinical testing. Allele origin: germline.
Comment: This sequence change creates a premature translational stop signal (p.Ser1612*) in the CACNA1H gene. It is expected to result in an absent or disrupted protein product. However, the current clinical and genetic evidence is not sufficient to establish whether loss-of-function variants in CACNA1H cause disease. This variant is not present in population databases (gnomAD no frequency). This variant has not been reported in the literature in individuals affected with CACNA1H-related conditions. In summary, the available evidence is currently insufficient to determine the role of this variant in disease. Therefore, it has been classified as a Variant of Uncertain Significance.